The following is an entry in ClinVar:

ClinVar aggregate classification (germline): Conflicting classifications of pathogenicity. Review status: criteria provided, conflicting classifications (1 of 4 stars). 2 submissions from 2 submitters: Likely pathogenic (1); Uncertain significance (1). Last evaluated 2025-11-18.

Conditions:
COL9A3-related disorders.

Submissions (2):

Labcorp Genetics (formerly Invitae), Labcorp
Classification: Uncertain significance. Last evaluated: 2025-11-18. Review status: criteria provided, single submitter. Criteria: Invitae Variant Classification Sherloc (09022015). Collection method: clinical testing. Allele origin: germline.
Comment: This sequence change affects a donor splice site in intron 17 of the COL9A3 gene. Variants that disrupt the donor or acceptor splice site typically lead to a loss of protein function (PMID:16199547), however it is unknown whether splice variants in this region will result in a loss of function. This variant is not present in population databases (gnomAD no frequency). This variant has not been reported in the literature in individuals affected with COL9A3-related conditions. Algorithms developed to predict the effect of sequence changes on RNA splicing suggest that this variant may disrupt the consensus splice site. In summary, the available evidence is currently insufficient to determine the role of this variant in disease. Therefore, it has been classified as a Variant of Uncertain Significance.

Blueprint Genetics
Classification: Likely pathogenic for COL9A3-related disorders. Last evaluated: 2021-08-31. Review status: criteria provided, single submitter. Criteria: ACMG Guidelines, 2015. Collection method: clinical testing. Allele origin: germline. Affected: yes. Observed: 2 variant alleles.

Literature cited by the submitters: PubMed 16199547 (cited by Labcorp Genetics (formerly Invitae), Labcorp).

NM_001853.4(COL9A3):c.900+1G>A

Gene: COL9A3 (collagen type IX alpha 3 chain; plus strand). Cytogenetic location: 20q13.33.
Variant type: single nucleotide variant.
Coding change: c.900+1G>A on transcript NM_001853.4 (MANE Select); the canonical splice donor site of the intron after coding-DNA position 900, G replaced by A.
Molecular consequence: splice donor variant.
Genome position (GRCh38, 1-based): chr20:62,827,977, G>A. VCF-style: chr20-62827977-G-A. GRCh37 (hg19) VCF-style: chr20-61459329-G-A.
Identifiers: ClinVar variation 4767183 (VCV004767183.2).
Genomic context (GRCh38, chr20:62,827,977, plus strand): 5'-CTCTAGGGCAGACCTGGTCCCAAGGGAACCCCCGGAGTGGCCGGGCCAAGCGGAGAGCCG[G>A]TGAGTGCACGTGGCTGCTCATGGAATGCTCCTCCCCCGGGTCCTGGGTATGTACAGGTGG-3'